The following is an entry in ClinVar:

ClinVar aggregate classification (germline): Likely benign (1 of 4 stars; one submission).

Submission:

CeGaT Center for Human Genetics Tuebingen
Classification: Likely benign. Last evaluated: 2023-12-01. Review status: criteria provided, single submitter. Criteria: CeGaT Center For Human Genetics Tuebingen Variant Classification Criteria Version 2. Collection method: clinical testing. Allele origin: germline. Affected: yes. Observed: 1 variant allele.
Comment: GOLGA6L10: BP4, BP7

NM_001164465.3(GOLGA6L10):c.729A>G (p.Leu243=)

Gene: GOLGA6L10 (golgin A6 family like 10; minus strand). Cytogenetic location: 15q25.2.
Variant type: single nucleotide variant.
Coding change: c.729A>G on transcript NM_001164465.3 (MANE Select); coding-DNA position 729, A replaced by G.
Protein change: p.Leu243=; no amino-acid change (leucine 243 retained).
Molecular consequence: synonymous variant.
Genome position (GRCh38, 1-based): chr15:82,345,131, T>C on the plus strand (A>G on the coding strand, the complement: GOLGA6L10 is on the minus strand). VCF-style: chr15-82345131-T-C. GRCh37 (hg19) VCF-style: chr15-82637378-T-C.
Other names: c.729A>G, p.Leu243= (NM_001322400.1).
Identifiers: ClinVar variation 3024821 (VCV003024821.22), dbSNP rs1404051955, ClinGen allele CA491997630.